The following is an entry in ClinVar:

ClinVar aggregate classification (germline): Benign/Likely benign. Review status: criteria provided, multiple submitters, no conflicts (2 of 4 stars). 3 submissions from 3 submitters: Benign (1); Likely benign (2). Last evaluated 2024-09-17.

Conditions:
Hereditary cancer-predisposing syndrome. Also called: Hereditary Cancer Syndrome; Neoplastic Syndromes, Hereditary; Tumor predisposition; Hereditary neoplastic syndrome. Identifiers: Orphanet 140162, MedGen C0027672, MeSH D009386, MONDO:0015356.
Hereditary diffuse gastric adenocarcinoma (HDGC). Also called: DIFFUSE GASTRIC AND LOBULAR BREAST CANCER SYNDROME. Identifiers: Orphanet 26106, MedGen C1708349, MONDO:0007648, OMIM 137215.

Submissions (3):

Myriad Genetics, Inc.
Classification: Benign for Hereditary diffuse gastric adenocarcinoma. Last evaluated: 2024-09-17. Review status: criteria provided, single submitter. Criteria: Myriad Autosomal Dominant, Autosomal Recessive and X-Linked Classification Criteria (2023). Collection method: clinical testing. Allele origin: unknown.
Comment: This variant is considered benign. This variant is a silent/synonymous amino acid change and it is not expected to impact splicing.

Labcorp Genetics (formerly Invitae), Labcorp
Classification: Likely benign for Hereditary diffuse gastric adenocarcinoma. Last evaluated: 2021-12-11. Review status: criteria provided, single submitter. Criteria: Invitae Variant Classification Sherloc (09022015). Collection method: clinical testing. Allele origin: germline.

Ambry Genetics
Classification: Likely benign for Hereditary cancer-predisposing syndrome. Last evaluated: 2014-07-24. Review status: criteria provided, single submitter. Criteria: Ambry Autosomal Dominant and X-Linked criteria (10/2015). Collection method: clinical testing. Allele origin: germline. Observed: 1 variant allele.

NM_004360.5(CDH1):c.909C>T (p.Thr303=)

Gene: CDH1 (cadherin 1; plus strand). Cytogenetic location: 16q22.1.
Variant type: single nucleotide variant.
Coding change: c.909C>T on transcript NM_004360.5 (MANE Select); coding-DNA position 909, C replaced by T.
Protein change: p.Thr303=; no amino-acid change (threonine 303 retained).
Molecular consequence: synonymous variant. On other transcripts: 5 prime UTR variant (2).
Genome position (GRCh38, 1-based): chr16:68,811,760, C>T. VCF-style: chr16-68811760-C-T. GRCh37 (hg19) VCF-style: chr16-68845663-C-T.
Other names: c.909C>T (LRG_301t1); c.909C>T, p.Thr303= (NM_001317184.2); c.-707C>T (NM_001317185.2); c.-911C>T (NM_001317186.2).
Identifiers: ClinVar variation 185727 (VCV000185727.13), dbSNP rs786202408, ClinGen allele CA192753.
Genomic context (GRCh38, chr16:68,811,760, plus strand): 5'-GGTCACAGCCACAGACGCGGACGATGATGTGAACACCTACAATGCCGCCATCGCTTACAC[C>T]ATCCTCAGCCAAGATCCTGAGCTCCCTGACAAAAATATGTTCACCATTAACAGGAACACA-3'
Protein context (NP_004351.1, residues 293-313): VNTYNAAIAY[Thr303=]ILSQDPELPD